The following is an entry in ClinVar:

ClinVar aggregate classification (germline): Uncertain significance. Review status: criteria provided, multiple submitters, no conflicts (2 of 4 stars). 3 submissions from 3 submitters: Uncertain significance (3). Last evaluated 2023-11-27.

Conditions:
Usher syndrome type 3B. Also called: USHER SYNDROME, TYPE IIIB. Identifiers: MedGen C3281066, MONDO:0013788, OMIM 614504.

Allele frequency attached by ClinVar (database versions not stated): gnomAD exomes 0.00001 and 0.00002; ExAC 0.00002; ESP Exome Variant Server 0.00008; gnomAD 0.00009 and 0.00011; TOPMed 0.00014.
gnomAD v4.1: 31 of 1,613,008 alleles (0.0019%); highest among the groups gnomAD compares: African/African-American, 0.037%; no homozygotes.

Submissions (3):

Labcorp Genetics (formerly Invitae), Labcorp
Classification: Uncertain significance for Usher syndrome type 3B. Last evaluated: 2023-11-27. Review status: criteria provided, single submitter. Criteria: Invitae Variant Classification Sherloc (09022015). Collection method: clinical testing. Allele origin: germline.
Comment: This sequence change falls in intron 9 of the HARS gene. It does not directly change the encoded amino acid sequence of the HARS protein. It affects a nucleotide within the consensus splice site. This variant is present in population databases (rs373032755, gnomAD 0.02%). This variant has been observed in individual(s) with clinical features of HARS-related conditions (Invitae). ClinVar contains an entry for this variant (Variation ID: 1318981). Variants that disrupt the consensus splice site are a relatively common cause of aberrant splicing (PMID: 17576681, 9536098). Algorithms developed to predict the effect of sequence changes on RNA splicing suggest that this variant is not likely to affect RNA splicing. In summary, the available evidence is currently insufficient to determine the role of this variant in disease. Therefore, it has been classified as a Variant of Uncertain Significance.

Blueprint Genetics
Classification: Uncertain significance. Last evaluated: 2019-04-05. Review status: criteria provided, single submitter. Criteria: ACMG Guidelines, 2015. Collection method: clinical testing. Allele origin: germline.

GeneDx
Classification: Uncertain significance. Last evaluated: 2019-02-11. Review status: criteria provided, single submitter. Criteria: GeneDx Variant Classification Process June 2021. Collection method: clinical testing. Allele origin: germline. Affected: yes.
Comment: In silico analysis, which includes splice predictors and evolutionary conservation, supports that this variant does not alter protein structure/function; Has not been previously published as pathogenic or benign to our knowledge

Literature cited by the submitters: PubMed 17576681 (cited by Labcorp Genetics (formerly Invitae), Labcorp); PubMed 9536098 (cited by Labcorp Genetics (formerly Invitae), Labcorp).

NM_002109.6(HARS1):c.952-3C>A

Gene: HARS1 (histidyl-tRNA synthetase 1; minus strand). Cytogenetic location: 5q31.3.
Variant type: single nucleotide variant.
Coding change: c.952-3C>A on transcript NM_002109.6 (MANE Select); 3 bases into the intron before coding-DNA position 952, C replaced by A.
Molecular consequence: intron variant.
Genome position (GRCh38, 1-based): chr5:140,676,899, G>T on the plus strand (C>A on the coding strand, the complement: HARS1 is on the minus strand). VCF-style: chr5-140676899-G-T. GRCh37 (hg19) VCF-style: chr5-140056484-G-T.
Other names: c.865-3C>A (NM_001289094.2); c.610-3C>A (NM_001289093.2); c.772-3C>A (NM_001258042.3); c.832-3C>A (NM_001258040.3); c.730-3C>A (NM_001289092.2); c.892-3C>A (NM_001258041.3).
Identifiers: ClinVar variation 1318981 (VCV001318981.10), dbSNP rs373032755, ClinGen allele CA3443948.